The following is an entry in ClinVar:

ClinVar aggregate classification (germline): Pathogenic/Likely pathogenic. Review status: criteria provided, multiple submitters, no conflicts (2 of 4 stars). 3 submissions from 3 submitters: Pathogenic (1); Likely pathogenic (1). 1 of the submissions does not count toward it. Last evaluated 2019-05-20.

Conditions:
Cystic fibrosis (CF). Also called: MUCOVISCIDOSIS. Identifiers: Orphanet 586, MedGen C0010674, MONDO:0009061, OMIM 219700. Disease mechanism: loss of function.

Submissions (3):

Women's Health and Genetics/Laboratory Corporation of America, LabCorp
Classification: Likely pathogenic for Cystic fibrosis. Last evaluated: 2019-05-20. Review status: criteria provided, single submitter. Criteria: LabCorp Variant Classification Summary - May 2015. Collection method: clinical testing. Allele origin: germline.
Comment: Variant summary: CFTR c.2203delA (p.Arg735GlyfsX4) results in a premature termination codon, predicted to cause a truncation of the encoded protein or absence of the protein due to nonsense mediated decay, which are commonly known mechanisms for disease. Truncations downstream of this position have been classified as pathogenic by our laboratory (e.g. c.2290C>T (p.Arg764X), c.2353C>T (p.Arg785X), and c.2374C>T (p.Arg792X)). The variant was absent in 251276 control chromosomes (gnomAD). c.2203delA has been reported in the literature in an individual affected with Cystic Fibrosis (De Boeck_2004). To our knowledge, no experimental evidence demonstrating an impact on protein function has been reported. No clinical diagnostic laboratories have submitted clinical-significance assessments for this variant to ClinVar after 2014. Based on the evidence outlined above, the variant was classified as likely pathogenic.

Ambry Genetics
Classification: Pathogenic for Cystic fibrosis. Last evaluated: 2015-12-21. Review status: criteria provided, single submitter. Criteria: Ambry Variant Classification Scheme 2023. Collection method: clinical testing. Allele origin: germline.
Comment: The c.2203delA pathogenic mutation, located in coding exon 14 of the CFTR gene, results from a deletion of one nucleotide at nucleotide position 2203, causing a translational frameshift with a predicted alternate stop codon (p.R735Gfs*4). Since frameshifts are typically deleterious in nature, this alteration is interpreted as a disease-causing mutation (ACMG Recommendations for Standards for Interpretation and Reporting of Sequence Variations. Revision 2007. Genet Med. 2008;10:294).

ClinVar Staff, National Center for Biotechnology Information (NCBI)
No classification provided. Condition: CFTR-related disorders. Review status: no classification provided. Collection method: literature only. Allele origin: germline. Affected: yes. Not counted in ClinVar's aggregate classification.

Literature cited by the submitters: PubMed 11379874 (cited by Women's Health and Genetics/Laboratory Corporation of America, LabCorp and ClinVar Staff, National Center for Biotechnology Information (NCBI)); PubMed 28830496 (cited by Women's Health and Genetics/Laboratory Corporation of America, LabCorp); PubMed 15218997 (cited by Women's Health and Genetics/Laboratory Corporation of America, LabCorp).

NM_000492.4(CFTR):c.2203del (p.Arg735fs)

Gene: CFTR (CF transmembrane conductance regulator; plus strand). Cytogenetic location: 7q31.2.
Variant type: Deletion.
Coding change: c.2203del on transcript NM_000492.4 (MANE Select); coding-DNA position 2203, one base deleted (A; older notation c.2203delA).
Protein change: p.Arg735fs; shifts the reading frame from arginine 735.
Molecular consequence: frameshift variant.
Genome position (GRCh38, 1-based): chr7:117,592,370, A deleted; the last of 2 consecutive A bases (chr7:117,592,369-117,592,370); deleting either gives the same sequence. VCF-style (leftmost placement, unchanged base first): chr7-117592368-GA-G. GRCh37 (hg19) VCF-style: chr7-117232422-GA-G.
Other names: c.2203delA (NM_000492.3); short protein forms R735fs.
Identifiers: ClinVar variation 53452 (VCV000053452.4), dbSNP rs397508351, ClinGen allele CA326767.